The following is an entry in ClinVar:

NM_152564.5(VPS13B):c.7958T>C (p.Ile2653Thr)

Gene: VPS13B (vacuolar protein sorting 13 homolog B; plus strand). Cytogenetic location: 8q22.2.
Variant type: single nucleotide variant.
Coding change: c.7958T>C on transcript NM_152564.5 (MANE Select); coding-DNA position 7958, T replaced by C.
Protein change: p.Ile2653Thr; replaces isoleucine 2653 with threonine.
Molecular consequence: missense variant.
Genome position (GRCh38, 1-based): chr8:99,809,391, T>C. VCF-style: chr8-99809391-T-C. GRCh37 (hg19) VCF-style: chr8-100821619-T-C.
Other names: c.8033T>C, p.Ile2678Thr (NM_017890.5); short protein forms I2653T, I2678T.
Identifiers: ClinVar variation 962454 (VCV000962454.7), dbSNP rs1813583407, ClinGen allele CA371769528.
Genomic context (GRCh38, chr8:99,809,391, plus strand): 5'-GTTGGCACGTTTGGCATTATGACGATTATTGTTTTTTTCTCCAGCTGTTACACATCTGTA[T>C]TGAAGGTTGGGGCAACTGGCGTTGGTCAGAGCCTTTCAGTGTGGACCATGCCGGGACTTT-3'
Protein context (NP_689777.3, residues 2643-2663): HKSPQLLHIC[Ile2653Thr]EGWGNWRWSE

ClinVar aggregate classification (germline): Uncertain significance. Review status: criteria provided, multiple submitters, no conflicts (2 of 4 stars). 2 submissions from 2 submitters: Uncertain significance (2). Last evaluated 2022-01-06.

Conditions:
Cohen syndrome (COH1). Also called: Cutis verticis gyrata, retinitis pigmentosa, and sensorineural deafness; PEPPER SYNDROME. Identifiers: Orphanet 193, MedGen C0265223, MONDO:0008999, OMIM 216550.

Allele frequency attached by ClinVar (database versions not stated): gnomAD exomes below 0.00001.
gnomAD v4.1: 1 of 1,614,020 alleles (0.000062%); highest among the groups gnomAD compares: Non-Finnish European, 0.000085%; no homozygotes.

Submissions (2):

Labcorp Genetics (formerly Invitae), Labcorp
Classification: Uncertain significance for Cohen syndrome. Last evaluated: 2022-01-06. Review status: criteria provided, single submitter. Criteria: Invitae Variant Classification Sherloc (09022015). Collection method: clinical testing. Allele origin: germline.
Comment: This sequence change replaces isoleucine, which is neutral and non-polar, with threonine, which is neutral and polar, at codon 2678 of the VPS13B protein (p.Ile2678Thr). This variant is not present in population databases (gnomAD no frequency). This variant has not been reported in the literature in individuals affected with VPS13B-related conditions. ClinVar contains an entry for this variant (Variation ID: 962454). Algorithms developed to predict the effect of missense changes on protein structure and function are either unavailable or do not agree on the potential impact of this missense change (SIFT: "Not Available"; PolyPhen-2: "Benign"; Align-GVGD: "Not Available"). In summary, the available evidence is currently insufficient to determine the role of this variant in disease. Therefore, it has been classified as a Variant of Uncertain Significance.

Baylor Genetics
Classification: Uncertain significance for Cohen syndrome. Last evaluated: 2019-11-06. Review status: criteria provided, single submitter. Criteria: ACMG Guidelines, 2015. Collection method: clinical testing. Allele origin: unknown. Affected: yes.
Comment: This variant was determined to be of uncertain significance according to ACMG Guidelines, 2015 [PMID:25741868].